The following is an entry in ClinVar:

NM_001365999.1(SZT2):c.5778C>G (p.Asp1926Glu)

Gene: SZT2 (SZT2 subunit of KICSTOR complex; plus strand). Cytogenetic location: 1p34.2.
Variant type: single nucleotide variant.
Coding change: c.5778C>G on transcript NM_001365999.1 (MANE Select); coding-DNA position 5778, C replaced by G.
Protein change: p.Asp1926Glu; replaces aspartic acid 1926 with glutamic acid.
Molecular consequence: missense variant.
Genome position (GRCh38, 1-based): chr1:43,433,164, C>G. VCF-style: chr1-43433164-C-G. GRCh37 (hg19) VCF-style: chr1-43898835-C-G.
Other names: c.5607C>G, p.Asp1869Glu (NM_015284.4); short protein forms D1926E, D1869E.
Identifiers: ClinVar variation 1482548 (VCV001482548.8), dbSNP rs754885010, ClinGen allele CA340026459.

ClinVar aggregate classification (germline): Uncertain significance (1 of 4 stars; one submission).

Allele frequency attached by ClinVar (database versions not stated): TOPMed below 0.00001; gnomAD 0.00001.
gnomAD v4.1: 1 of 1,613,856 alleles (0.000062%); highest among the groups gnomAD compares: Non-Finnish European, 0.000085%; no homozygotes.

Submission:

Labcorp Genetics (formerly Invitae), Labcorp
Classification: Uncertain significance. Last evaluated: 2022-07-26. Review status: criteria provided, single submitter. Criteria: Invitae Variant Classification Sherloc (09022015). Collection method: clinical testing. Allele origin: germline.
Comment: Algorithms developed to predict the effect of missense changes on protein structure and function are either unavailable or do not agree on the potential impact of this missense change (SIFT: "Tolerated"; PolyPhen-2: "Probably Damaging"; Align-GVGD: "Class C0"). In summary, the available evidence is currently insufficient to determine the role of this variant in disease. Therefore, it has been classified as a Variant of Uncertain Significance. ClinVar contains an entry for this variant (Variation ID: 1482548). This variant has not been reported in the literature in individuals affected with SZT2-related conditions. This variant is not present in population databases (gnomAD no frequency). This sequence change replaces aspartic acid, which is acidic and polar, with glutamic acid, which is acidic and polar, at codon 1869 of the SZT2 protein (p.Asp1869Glu).